The following is an entry in ClinVar:

NM_021625.5(TRPV4):c.1878C>G (p.Ile626Met)

Gene: TRPV4 (transient receptor potential cation channel subfamily V member 4; minus strand). Cytogenetic location: 12q24.11.
Variant type: single nucleotide variant.
Coding change: c.1878C>G on transcript NM_021625.5 (MANE Select); coding-DNA position 1878, C replaced by G.
Protein change: p.Ile626Met; replaces isoleucine 626 with methionine.
Molecular consequence: missense variant.
Genome position (GRCh38, 1-based): chr12:109,792,376, G>C on the plus strand (C>G on the coding strand, the complement: TRPV4 is on the minus strand). VCF-style: chr12-109792376-G-C. GRCh37 (hg19) VCF-style: chr12-110230181-G-C.
Other names: c.1737C>G, p.Ile579Met (NM_001177428.2); c.1776C>G, p.Ile592Met (NM_001177431.2); c.1557C>G, p.Ile519Met (NM_001177433.2); c.1698C>G, p.Ile566Met (NM_147204.3); short protein forms I519M, I566M, I592M, I626M, I579M.
Identifiers: ClinVar variation 2844675 (VCV002844675.3), dbSNP rs758026363, ClinGen allele CA6780075.

ClinVar aggregate classification (germline): Uncertain significance (1 of 4 stars; one submission).

Conditions:
Charcot-Marie-Tooth disease axonal type 2C (HMSN2C). Also called: CHARCOT-MARIE-TOOTH DISEASE, AXONAL, AUTOSOMAL DOMINANT, TYPE 2C; Charcot-Marie-Tooth Neuropathy Type 2C; Charcot-Marie-Tooth Disease Type 2, TRPV4-Related (CMT2C). Identifiers: Orphanet 99937, MedGen C1853710, MONDO:0011633, OMIM 606071.

Submission:

Labcorp Genetics (formerly Invitae), Labcorp
Classification: Uncertain significance for Charcot-Marie-Tooth disease axonal type 2C. Last evaluated: 2023-06-03. Review status: criteria provided, single submitter. Criteria: Invitae Variant Classification Sherloc (09022015). Collection method: clinical testing. Allele origin: germline.
Comment: In summary, the available evidence is currently insufficient to determine the role of this variant in disease. Therefore, it has been classified as a Variant of Uncertain Significance. Advanced modeling of protein sequence and biophysical properties (such as structural, functional, and spatial information, amino acid conservation, physicochemical variation, residue mobility, and thermodynamic stability) has been performed at Invitae for this missense variant, however the output from this modeling did not meet the statistical confidence thresholds required to predict the impact of this variant on TRPV4 protein function. This variant has not been reported in the literature in individuals affected with TRPV4-related conditions. This variant is present in population databases (rs758026363, gnomAD 0.003%). This sequence change replaces isoleucine, which is neutral and non-polar, with methionine, which is neutral and non-polar, at codon 626 of the TRPV4 protein (p.Ile626Met).